The following is an entry in ClinVar:

ClinVar aggregate classification (germline): Pathogenic (1 of 4 stars; one submission).

gnomAD v4.1: 12 of 1,614,220 alleles (0.00074%); highest among the groups gnomAD compares: Non-Finnish European, 0.001%; no homozygotes.

Submission:

Labcorp Genetics (formerly Invitae), Labcorp
Classification: Pathogenic. Last evaluated: 2025-05-26. Review status: criteria provided, single submitter. Criteria: Invitae Variant Classification Sherloc (09022015). Collection method: clinical testing. Allele origin: germline.
Comment: This sequence change creates a premature translational stop signal (p.Gln1370*) in the CEP250 gene. It is expected to result in an absent or disrupted protein product. Loss-of-function variants in CEP250 are known to be pathogenic (PMID: 24780881, 29718797). This variant is not present in population databases (gnomAD no frequency). This variant has not been reported in the literature in individuals affected with CEP250-related conditions. ClinVar contains an entry for this variant (Variation ID: 3665219). For these reasons, this variant has been classified as Pathogenic.

Literature cited by the submitters: PubMed 24780881; PubMed 29718797.

NM_007186.6(CEP250):c.4108C>T (p.Gln1370Ter)

Gene: CEP250 (centrosomal protein 250; plus strand). Cytogenetic location: 20q11.22.
Variant type: single nucleotide variant.
Coding change: c.4108C>T on transcript NM_007186.6 (MANE Select); coding-DNA position 4108, C replaced by T.
Protein change: p.Gln1370Ter; replaces glutamine 1370 with a stop codon.
Molecular consequence: nonsense.
Genome position (GRCh38, 1-based): chr20:35,502,477, C>T. VCF-style: chr20-35502477-C-T. GRCh37 (hg19) VCF-style: chr20-34090305-C-T.
Other names: c.2212C>T, p.Gln738Ter (NM_001318219.1); short protein forms Q738*, Q1370*.
Identifiers: ClinVar variation 3665219 (VCV003665219.2).